The following is an entry in ClinVar:

ClinVar aggregate classification (germline): Likely pathogenic (1 of 4 stars; one submission).

Conditions:
Primary ciliary dyskinesia. Also called: Ciliary dyskinesia. Identifiers: Orphanet 244, MedGen C0008780, MONDO:0016575, HP:0012265.

Submission:

Labcorp Genetics (formerly Invitae), Labcorp
Classification: Likely pathogenic for Primary ciliary dyskinesia. Last evaluated: 2024-03-13. Review status: criteria provided, single submitter. Criteria: Invitae Variant Classification Sherloc (09022015). Collection method: clinical testing. Allele origin: germline.
Comment: This sequence change replaces glycine, which is neutral and non-polar, with arginine, which is basic and polar, at codon 215 of the RPGR protein (p.Gly215Arg). This variant is not present in population databases (gnomAD no frequency). This missense change has been observed in individual(s) with retinitis pigmentosa (Invitae). Advanced modeling of protein sequence and biophysical properties (such as structural, functional, and spatial information, amino acid conservation, physicochemical variation, residue mobility, and thermodynamic stability) performed at Invitae indicates that this missense variant is expected to disrupt RPGR protein function with a positive predictive value of 95%. This variant disrupts the p.Gly215 amino acid residue in RPGR. Other variant(s) that disrupt this residue have been observed in individuals with RPGR-related conditions (PMID: 11968081, 31652454; Invitae), which suggests that this may be a clinically significant amino acid residue. In summary, the currently available evidence indicates that the variant is pathogenic, but additional data are needed to prove that conclusively. Therefore, this variant has been classified as Likely Pathogenic.

Literature cited by the submitters: PubMed 11968081; PubMed 31652454.

NM_001034853.2(RPGR):c.643G>A (p.Gly215Arg)

Gene: RPGR (retinitis pigmentosa GTPase regulator; minus strand). Cytogenetic location: Xp11.4.
Variant type: single nucleotide variant.
Coding change: c.643G>A on transcript NM_001034853.2 (MANE Select); coding-DNA position 643, G replaced by A.
Protein change: p.Gly215Arg; replaces glycine 215 with arginine.
Molecular consequence: missense variant. On other transcripts: non-coding transcript variant (6).
Genome position (GRCh38, 1-based): chrX:38,310,750, C>T on the plus strand (G>A on the coding strand, the complement: RPGR is on the minus strand). VCF-style: chrX-38310750-C-T. GRCh37 (hg19) VCF-style: chrX-38170003-C-T.
Other names: c.643G>A, p.Gly215Arg (NM_000328.3, NM_001367246.1, NM_001367247.1 and 1 more transcripts); c.640G>A, p.Gly214Arg (NM_001367245.1, NM_001367249.1, NM_001367250.1); c.673G>A, p.Gly225Arg (NM_001367248.1); short protein forms G214R, G215R, G225R.
Identifiers: ClinVar variation 3645791 (VCV003645791.2).